The following is an entry in ClinVar:

ClinVar aggregate classification (germline): Conflicting classifications of pathogenicity. Review status: criteria provided, conflicting classifications (1 of 4 stars). 3 submissions from 3 submitters: Uncertain significance (1); Likely benign (2). Last evaluated 2024-06-05.

Conditions:
Intellectual developmental disorder, X-linked 1. Also called: Intellectual disability, X-linked 1; Atkin Flaitz Patil Smith syndrome; MENTAL RETARDATION, X-LINKED 18; MENTAL RETARDATION, X-LINKED 78. Identifiers: Orphanet 777, MedGen C2931498, MONDO:0010656, OMIM 309530.

Allele frequency attached by ClinVar (database versions not stated): gnomAD 0.00001.

Submissions (3):

Labcorp Genetics (formerly Invitae), Labcorp
Classification: Likely benign for Intellectual developmental disorder, X-linked 1. Last evaluated: 2024-06-05. Review status: criteria provided, single submitter. Criteria: Invitae Variant Classification Sherloc (09022015). Collection method: clinical testing. Allele origin: germline.

Baylor Genetics
Classification: Uncertain significance for Intellectual developmental disorder, X-linked 1. Last evaluated: 2018-02-02. Review status: criteria provided, single submitter. Criteria: ACMG Guidelines, 2015. Collection method: clinical testing. Allele origin: unknown. Affected: yes.
Comment: This variant was determined to be of uncertain significance according to ACMG Guidelines, 2015 [PMID:25741868].

GeneDx
Classification: Likely benign. Last evaluated: 2016-04-21. Review status: criteria provided, single submitter. Criteria: GeneDx Variant Classification (06012015). Collection method: clinical testing. Allele origin: germline. Affected: yes.
Comment: This variant is considered likely benign or benign based on one or more of the following criteria: it is a conservative change, it occurs at a poorly conserved position in the protein, it is predicted to be benign by multiple in silico algorithms, and/or has population frequency not consistent with disease.

NM_001111125.3(IQSEC2):c.3451+17C>T

Gene: IQSEC2 (IQ motif and Sec7 domain ArfGEF 2; minus strand). Cytogenetic location: Xp11.22.
Variant type: single nucleotide variant.
Coding change: c.3451+17C>T on transcript NM_001111125.3 (MANE Select); 17 bases into the intron after coding-DNA position 3451, C replaced by T.
Molecular consequence: intron variant.
Genome position (GRCh38, 1-based): chrX:53,236,305, G>A on the plus strand (C>T on the coding strand, the complement: IQSEC2 is on the minus strand). VCF-style: chrX-53236305-G-A. GRCh37 (hg19) VCF-style: chrX-53265487-G-A.
Other names: c.2836+17C>T (NM_015075.2).
Identifiers: ClinVar variation 385473 (VCV000385473.4), dbSNP rs1057522236, ClinGen allele CA16608944.
Genomic context (GRCh38, chrX:53,236,305, plus strand): 5'-GGCGGCCAGTGACAGGAGGCAAAGAGGACACCCGGTCCCGTGTCTCCCCAGCCAGGGCAG[G>A]GGCCCAGAGGGCTTACCTGCATCAGAGAGGTCTCGCAGGGAACTGCTGAGTGCGCCCCGT-3'